The following is an entry in ClinVar:

ClinVar aggregate classification (germline): Likely benign (1 of 4 stars; one submission).

Allele frequency attached by ClinVar (database versions not stated): 1000 Genomes Project 30x 0.01671; 1000 Genomes Project 0.01697; TOPMed 0.01926; gnomAD 0.01981 and 0.02032.
gnomAD v4.1: 3,081 of 152,176 alleles (2%); highest among the groups gnomAD compares: Middle Eastern, 6.8%; 49 homozygotes.

Submission:

GeneDx
Classification: Likely benign. Last evaluated: 2018-06-19. Review status: criteria provided, single submitter. Criteria: GeneDx Variant Classification (06012015). Collection method: clinical testing. Allele origin: germline. Affected: yes.
Comment: This variant is considered likely benign or benign based on one or more of the following criteria: it is a conservative change, it occurs at a poorly conserved position in the protein, it is predicted to be benign by multiple in silico algorithms, and/or has population frequency not consistent with disease.

NM_014244.5(ADAMTS2):c.535-293C>T

Gene: ADAMTS2 (ADAM metallopeptidase with thrombospondin type 1 motif 2; minus strand). Cytogenetic location: 5q35.3.
Variant type: single nucleotide variant.
Coding change: c.535-293C>T on transcript NM_014244.5 (MANE Select); 293 bases into the intron before coding-DNA position 535, C replaced by T.
Molecular consequence: intron variant.
Genome position (GRCh38, 1-based): chr5:179,273,357, G>A on the plus strand (C>T on the coding strand, the complement: ADAMTS2 is on the minus strand). VCF-style: chr5-179273357-G-A. GRCh37 (hg19) VCF-style: chr5-178700358-G-A.
Other names: c.535-293C>T (NM_021599.4).
Identifiers: ClinVar variation 668940 (VCV000668940.1), dbSNP rs79956663, ClinGen allele CA133070551.